The following is an entry in ClinVar:

ClinVar aggregate classification (germline): Pathogenic (1 of 4 stars; one submission).

Conditions:
Duchenne muscular dystrophy (DMD). Also called: MUSCULAR DYSTROPHY, PSEUDOHYPERTROPHIC PROGRESSIVE, DUCHENNE TYPE; Duchenne Muscular Dystrophy (DMD). Identifiers: Orphanet 98896, MedGen C0013264, MONDO:0010679, OMIM 310200.

Submission:

Labcorp Genetics (formerly Invitae), Labcorp
Classification: Pathogenic for Duchenne muscular dystrophy. Last evaluated: 2020-09-07. Review status: criteria provided, single submitter. Criteria: Invitae Variant Classification Sherloc (09022015). Collection method: clinical testing. Allele origin: germline.
Comment: This variant is an in-frame deletion of the genomic region encompassing 42-44 of the DMD gene. It preserves the integrity of the reading frame. This variant has been observed in individual(s) with Becker muscular dystrophy (PMID: 8543940). Experimental studies and prediction algorithms are not available or were not evaluated, and the functional significance of this variant is currently unknown. The region of the DMD gene that includes exon(s) 43-44 has been determined to be clinically significant (PMID: 17259292, 1864612). Therefore, deletions that encompass that region are likely to disrupt protein function and cause disease. For these reasons, this variant has been classified as Pathogenic.

Literature cited by the submitters: PubMed 8543940; PubMed 17259292; PubMed 1864612.

NC_000023.10:g.(?_32235023)_(32328403_?)del

Gene: DMD (dystrophin; minus strand). Cytogenetic location: Xp21.1.
Variant type: Deletion.
Identifiers: ClinVar variation 1075913 (VCV001075913.1).